The following is an entry in ClinVar:

NM_000474.4(TWIST1):c.437T>G (p.Ile146Ser)

Genes: TWIST1 (twist family bHLH transcription factor 1; minus strand), LOC129998021 (ATAC-STARR-seq lymphoblastoid active region 25682; plus strand). Cytogenetic location: 7p21.1.
Variant type: single nucleotide variant.
Coding change: c.437T>G on transcript NM_000474.4 (MANE Select); coding-DNA position 437, T replaced by G.
Protein change: p.Ile146Ser; replaces isoleucine 146 with serine.
Molecular consequence: missense variant. On other transcripts: non-coding transcript variant (1).
Genome position (GRCh38, 1-based): chr7:19,116,885, A>C on the plus strand (T>G on the coding strand, the complement: TWIST1 is on the minus strand). VCF-style: chr7-19116885-A-C. GRCh37 (hg19) VCF-style: chr7-19156508-A-C.
Other names: short protein forms I146S.
Identifiers: ClinVar variation 948152 (VCV000948152.10), dbSNP rs1788580225, ClinGen allele CA367015437.

ClinVar aggregate classification (germline): Uncertain significance (1 of 4 stars; one submission).

Conditions:
TWIST1-related craniosynostosis (CRS1). Also called: CRANIOSYNOSTOSIS 1. Identifiers: Orphanet 63440, MedGen C4551902, MONDO:0007399, OMIM 123100. Inheritance: Heterogenous inheritance pattern.
Saethre-Chotzen syndrome (SCS). Also called: ACROCEPHALY, SKULL ASYMMETRY, AND MILD SYNDACTYLY; ACS III; CHOTZEN SYNDROME. Identifiers: Orphanet 794, MedGen C0175699, MONDO:0007042, OMIM 101400.

Submission:

Labcorp Genetics (formerly Invitae), Labcorp
Classification: Uncertain significance for TWIST1-related craniosynostosis; Saethre-Chotzen syndrome. Last evaluated: 2019-04-23. Review status: criteria provided, single submitter. Criteria: Invitae Variant Classification Sherloc (09022015). Collection method: clinical testing. Allele origin: germline.
Comment: In summary, the available evidence is currently insufficient to determine the role of this variant in disease. Therefore, it has been classified as a Variant of Uncertain Significance. Algorithms developed to predict the effect of missense changes on protein structure and function (SIFT, PolyPhen-2, Align-GVGD) all suggest that this variant is likely to be disruptive, but these predictions have not been confirmed by published functional studies and their clinical significance is uncertain. This variant has not been reported in the literature in individuals with TWIST1-related conditions. This variant is not present in population databases (ExAC no frequency). This sequence change replaces isoleucine with serine at codon 146 of the TWIST1 protein (p.Ile146Ser). The isoleucine residue is highly conserved and there is a large physicochemical difference between isoleucine and serine.